The following is an entry in ClinVar:

NM_016180.5(SLC45A2):c.785C>G (p.Ser262Ter)

Gene: SLC45A2 (solute carrier family 45 member 2; minus strand). Cytogenetic location: 5p13.2.
Variant type: single nucleotide variant.
Coding change: c.785C>G on transcript NM_016180.5 (MANE Select); coding-DNA position 785, C replaced by G.
Protein change: p.Ser262Ter; replaces serine 262 with a stop codon.
Molecular consequence: nonsense. On other transcripts: intron variant (1).
Genome position (GRCh38, 1-based): chr5:33,963,794, G>C on the plus strand (C>G on the coding strand, the complement: SLC45A2 is on the minus strand). VCF-style: chr5-33963794-G-C. GRCh37 (hg19) VCF-style: chr5-33963899-G-C.
Other names: c.785C>G, p.Ser262Ter (NM_001012509.4); c.563-9290C>G (NM_001297417.4); short protein forms S262*.
Identifiers: ClinVar variation 2032637 (VCV002032637.4), dbSNP rs2478839825, ClinGen allele CA359393470.

ClinVar aggregate classification (germline): Pathogenic (1 of 4 stars; one submission).

Allele frequency attached by ClinVar (database versions not stated): gnomAD exomes below 0.00001.
gnomAD v4.1: 2 of 1,614,114 alleles (0.00012%); highest among the groups gnomAD compares: Non-Finnish European, 0.00017%; no homozygotes.

Submission:

Labcorp Genetics (formerly Invitae), Labcorp
Classification: Pathogenic. Last evaluated: 2024-09-16. Review status: criteria provided, single submitter. Criteria: Invitae Variant Classification Sherloc (09022015). Collection method: clinical testing. Allele origin: germline.
Comment: This sequence change creates a premature translational stop signal (p.Ser262*) in the SLC45A2 gene. It is expected to result in an absent or disrupted protein product. Loss-of-function variants in SLC45A2 are known to be pathogenic (PMID: 21458243, 26573111). This variant is not present in population databases (gnomAD no frequency). This variant has not been reported in the literature in individuals affected with SLC45A2-related conditions. ClinVar contains an entry for this variant (Variation ID: 2032637). Algorithms developed to predict the effect of sequence changes on RNA splicing suggest that this variant may disrupt the consensus splice site. For these reasons, this variant has been classified as Pathogenic.

Literature cited by the submitters: PubMed 21458243; PubMed 26573111.